The following is an entry in ClinVar:

ClinVar aggregate classification (germline): Pathogenic (1 of 4 stars; one submission).

Conditions:
Parathyroid carcinoma (PRTC). Also called: CDC73-Related Parathyroid Carcinoma; Parathyroid gland carcinoma. Identifiers: Orphanet 143, MedGen C0687150, MONDO:0012004, OMIM 608266, HP:0006780.

Submission:

Labcorp Genetics (formerly Invitae), Labcorp
Classification: Pathogenic for Parathyroid carcinoma. Last evaluated: 2022-01-17. Review status: criteria provided, single submitter. Criteria: Invitae Variant Classification Sherloc (09022015). Collection method: clinical testing. Allele origin: germline.
Comment: For these reasons, this variant has been classified as Pathogenic. RNA analysis performed to evaluate the impact of this premature translational stop signal on mRNA splicing indicates it does not significantly alter splicing (Invitae). This variant has not been reported in the literature in individuals affected with CDC73-related conditions. This variant is not present in population databases (gnomAD no frequency). This sequence change creates a premature translational stop signal (p.Val19Glyfs*46) in the CDC73 gene. It is expected to result in an absent or disrupted protein product. Loss-of-function variants in CDC73 are known to be pathogenic (PMID: 12434154).

Literature cited by the submitters: PubMed 12434154.

NM_024529.5(CDC73):c.56_57del (p.Val19fs)

Gene: CDC73 (cell division cycle 73; plus strand). Cytogenetic location: 1q31.2.
Variant type: Microsatellite.
Coding change: c.56_57del on transcript NM_024529.5 (MANE Select); coding-DNA positions 56 to 57, 2 bases deleted (TG; older notation c.56_57delTG).
Protein change: p.Val19fs; shifts the reading frame from valine 19.
Molecular consequence: frameshift variant.
Genome position (GRCh38, 1-based): chr1:193,122,256-193,122,257, TG deleted; deleting any 2 consecutive bases within chr1:193,122,254-193,122,257 gives the same sequence; the c. name uses the placement nearest the transcript's 3' end. VCF-style (leftmost placement, unchanged base first): chr1-193122253-TTG-T. GRCh37 (hg19) VCF-style: chr1-193091383-TTG-T.
Other names: short protein forms V19fs.
Identifiers: ClinVar variation 2032515 (VCV002032515.4), dbSNP rs2527281026, ClinGen allele CA2580611522.